The following is an entry in ClinVar:

ClinVar aggregate classification (germline): Uncertain significance. Review status: criteria provided, multiple submitters, no conflicts (2 of 4 stars). 3 submissions from 3 submitters: Uncertain significance (3). Last evaluated 2024-11-25.

Conditions:
Fanconi anemia complementation group G. Also called: Fanconi anemia group G; FANCG-Related Fanconi Anemia. Identifiers: Orphanet 84, MedGen C3469527, MONDO:0013565, OMIM 614082.
Inborn genetic diseases. Identifiers: MedGen C0950123, MeSH D030342.
Fanconi anemia (FA). Also called: Fanconi's anemia. Identifiers: Orphanet 84, MedGen C0015625, MeSH D005199, MONDO:0019391.

Allele frequency attached by ClinVar (database versions not stated): TOPMed below 0.00001; gnomAD exomes 0.00001; gnomAD 0.00003.
gnomAD v4.1: 5 of 1,614,138 alleles (0.00031%); highest among the groups gnomAD compares: Non-Finnish European, 0.00042%; no homozygotes.

Submissions (3):

Ambry Genetics
Classification: Uncertain significance for Inborn genetic diseases. Last evaluated: 2024-11-25. Review status: criteria provided, single submitter. Criteria: Ambry Variant Classification Scheme 2023. Collection method: clinical testing. Allele origin: germline.
Comment: The p.T487P variant (also known as c.1459A>C), located in coding exon 11 of the FANCG gene, results from an A to C substitution at nucleotide position 1459. The threonine at codon 487 is replaced by proline, an amino acid with highly similar properties. This amino acid position is conserved. In addition, this alteration is predicted to be tolerated by in silico analysis. Based on the available evidence, the clinical significance of this variant remains unclear.

Fulgent Genetics
Classification: Uncertain significance for Fanconi anemia complementation group G. Last evaluated: 2024-02-03. Review status: criteria provided, single submitter. Criteria: ACMG Guidelines, 2015. Collection method: clinical testing. Allele origin: germline.

Labcorp Genetics (formerly Invitae), Labcorp
Classification: Uncertain significance for Fanconi anemia. Last evaluated: 2022-05-15. Review status: criteria provided, single submitter. Criteria: Invitae Variant Classification Sherloc (09022015). Collection method: clinical testing. Allele origin: germline.
Comment: This sequence change replaces threonine, which is neutral and polar, with proline, which is neutral and non-polar, at codon 487 of the FANCG protein (p.Thr487Pro). This variant is present in population databases (no rsID available, gnomAD 0.007%). This variant has not been reported in the literature in individuals affected with FANCG-related conditions. ClinVar contains an entry for this variant (Variation ID: 567486). Algorithms developed to predict the effect of missense changes on protein structure and function (SIFT, PolyPhen-2, Align-GVGD) all suggest that this variant is likely to be tolerated. In summary, the available evidence is currently insufficient to determine the role of this variant in disease. Therefore, it has been classified as a Variant of Uncertain Significance.

NM_004629.2(FANCG):c.1459A>C (p.Thr487Pro)

Gene: FANCG (FA complementation group G; minus strand). Cytogenetic location: 9p13.3.
Variant type: single nucleotide variant.
Coding change: c.1459A>C on transcript NM_004629.2 (MANE Select); coding-DNA position 1459, A replaced by C.
Protein change: p.Thr487Pro; replaces threonine 487 with proline.
Molecular consequence: missense variant.
Genome position (GRCh38, 1-based): chr9:35,075,300, T>G on the plus strand (A>C on the coding strand, the complement: FANCG is on the minus strand). VCF-style: chr9-35075300-T-G. GRCh37 (hg19) VCF-style: chr9-35075297-T-G.
Other names: short protein forms T487P.
Identifiers: ClinVar variation 567486 (VCV000567486.8), dbSNP rs1414696119, ClinGen allele CA373305827.